The following is an entry in ClinVar:

ClinVar aggregate classification (germline): Conflicting classifications of pathogenicity. Review status: criteria provided, conflicting classifications (1 of 4 stars). 4 submissions from 4 submitters: Likely pathogenic (1); Uncertain significance (3). Last evaluated 2026-05-11.

Conditions:
BBS4-related disorder. Also called: BBS4-related condition.
Bardet-Biedl syndrome 4 (BBS4). Identifiers: Orphanet 110, MedGen C2936864, MONDO:0014433, OMIM 615982.
Bardet-Biedl syndrome (BBS). Identifiers: Orphanet 110, MedGen C0752166, MONDO:0015229.

Allele frequency attached by ClinVar (database versions not stated): TOPMed 0.00002.
gnomAD v4.1: 54 of 1,612,520 alleles (0.0033%); highest among the groups gnomAD compares: Non-Finnish European, 0.0043%; no homozygotes.

Submissions (5):

PreventionGenetics, part of Exact Sciences
Classification: Uncertain significance for BBS4-related condition. Last evaluated: 2026-05-11. Review status: criteria provided, single submitter. Criteria: ACMG Guidelines, 2015. Collection method: clinical testing. Allele origin: germline.
Comment: The BBS4 c.220+3A>T variant is predicted to interfere with splicing. To our knowledge, this variant has not been reported in the literature. This variant is reported in 0.0046% of alleles in individuals of European (Non-Finnish) descent in gnomAD. At this time, the clinical significance of this variant is uncertain due to the absence of conclusive functional and genetic evidence.

Blueprint Genetics
Classification: Likely pathogenic for BBS4-related disorders. Last evaluated: 2024-05-22. Review status: criteria provided, single submitter. Criteria: ACMG Guidelines, 2015. Collection method: clinical testing. Allele origin: germline. Affected: yes. Observed: 5 variant alleles.

Labcorp Genetics (formerly Invitae), Labcorp
Classification: Uncertain significance for Bardet-Biedl syndrome. Last evaluated: 2022-09-01. Review status: criteria provided, single submitter. Criteria: Invitae Variant Classification Sherloc (09022015). Collection method: clinical testing. Allele origin: germline.
Comment: This sequence change falls in intron 4 of the BBS4 gene. It does not directly change the encoded amino acid sequence of the BBS4 protein. It affects a nucleotide within the consensus splice site. This variant is present in population databases (rs376143305, gnomAD 0.006%). This variant has not been reported in the literature in individuals affected with BBS4-related conditions. ClinVar contains an entry for this variant (Variation ID: 887713). Variants that disrupt the consensus splice site are a relatively common cause of aberrant splicing (PMID: 17576681, 9536098). Algorithms developed to predict the effect of sequence changes on RNA splicing suggest that this variant may disrupt the consensus splice site. In summary, the available evidence is currently insufficient to determine the role of this variant in disease. Therefore, it has been classified as a Variant of Uncertain Significance.

Illumina Laboratory Services, Illumina
Classification: Uncertain significance for Bardet-Biedl syndrome 4. Last evaluated: 2018-02-09. Review status: criteria provided, single submitter. Criteria: ICSL Variant Classification Criteria 13 December 2019. Collection method: clinical testing. Allele origin: germline.

Dr. Peter K. Rogan Lab, Western University
No classification provided (evidence only). Condition: Lung cancer. Review status: no classification provided. Collection method: in vitro. Allele origin: not applicable. Functional consequence: skipped exon. Not counted in ClinVar's aggregate classification.

Literature cited by the submitters: PubMed 17576681 (cited by Labcorp Genetics (formerly Invitae), Labcorp); PubMed 9536098 (cited by Labcorp Genetics (formerly Invitae), Labcorp).

NM_033028.5(BBS4):c.220+3A>T

Gene: BBS4 (Bardet-Biedl syndrome 4; plus strand). Cytogenetic location: 15q24.1.
Variant type: single nucleotide variant.
Coding change: c.220+3A>T on transcript NM_033028.5 (MANE Select); 3 bases into the intron after coding-DNA position 220, A replaced by T.
Molecular consequence: intron variant.
Genome position (GRCh38, 1-based): chr15:72,712,310, A>T. VCF-style: chr15-72712310-A-T. GRCh37 (hg19) VCF-style: chr15-73004651-A-T.
Other names: c.220+3A>T (NM_001320665.2); c.-302+3A>T (NM_001252678.2).
Identifiers: ClinVar variation 887713 (VCV000887713.9), dbSNP rs376143305, ClinGen allele CA7646540.